The following is an entry in ClinVar:

ClinVar aggregate classification (germline): Uncertain significance (1 of 4 stars; one submission).

Conditions:
Neurodevelopmental disorder with or without seizures and gait abnormalities. Identifiers: MedGen C4693391, MONDO:0060641, OMIM 617864.

gnomAD v4.1: 1 of 1,564,030 alleles (0.000064%); highest among the groups gnomAD compares: Non-Finnish European, 0.000088%; no homozygotes.

Submission:

Dasa
Classification: Uncertain significance for neurodevelopmental disorder with or without seizures and gait abnormalities. Last evaluated: 2026-01-30. Review status: criteria provided, single submitter. Criteria: DASA Assertion Criteria. Collection method: clinical testing. Allele origin: germline.
Comment: NM_000829.4(GRIA4):c.1148G>A (p.Gly383Glu) is a missense variant that results in the substitution of glycine with glutamic acid. This variant is rare in population databases. The currently available literature and clinical evidence are not sufficient to establish a definitive association between this variant and the reported condition. Therefore, this variant is classified as a variant of uncertain significance.

NM_000829.4(GRIA4):c.1148G>A (p.Gly383Glu)

Gene: GRIA4 (glutamate ionotropic receptor AMPA type subunit 4; plus strand). Cytogenetic location: 11q22.3.
Variant type: single nucleotide variant.
Coding change: c.1148G>A on transcript NM_000829.4 (MANE Select); coding-DNA position 1148, G replaced by A.
Protein change: p.Gly383Glu; replaces glycine 383 with glutamic acid.
Molecular consequence: missense variant. On other transcripts: non-coding transcript variant (1).
Genome position (GRCh38, 1-based): chr11:105,905,291, G>A. VCF-style: chr11-105905291-G-A. GRCh37 (hg19) VCF-style: chr11-105776017-G-A.
Other names: c.1148G>A, p.Gly383Glu (NM_001077244.2, NM_001112812.2, NM_001440382.1 and 20 more transcripts); short protein forms G383E.
Identifiers: ClinVar variation 4882602 (VCV004882602.2).